The following is an entry in ClinVar:

NM_001276270.2(MBD4):c.1544-17G>C

Gene: MBD4 (methyl-CpG binding domain 4, DNA glycosylase; minus strand). Cytogenetic location: 3q21.3.
Variant type: single nucleotide variant.
Coding change: c.1544-17G>C on transcript NM_001276270.2 (MANE Select); 17 bases into the intron before coding-DNA position 1544, G replaced by C.
Molecular consequence: intron variant.
Genome position (GRCh38, 1-based): chr3:129,432,623, C>G on the plus strand (G>C on the coding strand, the complement: MBD4 is on the minus strand). VCF-style: chr3-129432623-C-G. GRCh37 (hg19) VCF-style: chr3-129151466-C-G.
Other names: c.608-17G>C (NM_001276273.2); c.1562-17G>C (NM_001276272.2, NM_003925.3, NM_001276271.2).
Identifiers: ClinVar variation 2870380 (VCV002870380.4), dbSNP rs747763175, ClinGen allele CA2605261.

ClinVar aggregate classification (germline): Likely benign. Review status: criteria provided, multiple submitters, no conflicts (2 of 4 stars). 2 submissions from 2 submitters: Likely benign (2). Last evaluated 2026-06-09.

Conditions:
Tumor predisposition syndrome 2 (TPDS2). Also called: MBD4-ASSOCIATED NEOPLASIA SYNDROME; MBD4-Related Tumor Predisposition Syndrome; MBD4-associated neoplasia syndrome (MANS). Identifiers: Orphanet 661526, MedGen C5774186, MONDO:0859267, OMIM 619975.

Allele frequency attached by ClinVar (database versions not stated): ExAC 0.00002; gnomAD 0.00003; gnomAD exomes 0.00003; TOPMed 0.00003.
gnomAD v4.1: 40 of 1,612,316 alleles (0.0025%); highest among the groups gnomAD compares: Non-Finnish European, 0.0034%; no homozygotes.

Submissions (2):

Myriad Genetics, Inc.
Classification: Likely benign for Tumor predisposition syndrome 2. Last evaluated: 2026-06-09. Review status: criteria provided, single submitter. Criteria: Myriad Autosomal Dominant, Autosomal Recessive and X-Linked Classification Criteria (2023). Collection method: clinical testing. Allele origin: unknown.
Comment: This variant is considered likely benign. This variant is intronic and is not expected to impact mRNA splicing.

Labcorp Genetics (formerly Invitae), Labcorp
Classification: Likely benign. Last evaluated: 2026-01-01. Review status: criteria provided, single submitter. Criteria: Invitae Variant Classification Sherloc (09022015). Collection method: clinical testing. Allele origin: germline.